The following is an entry in ClinVar:

ClinVar aggregate classification (germline): Uncertain significance. Review status: criteria provided, multiple submitters, no conflicts (2 of 4 stars). 2 submissions from 2 submitters: Uncertain significance (2). Last evaluated 2025-06-23.

Allele frequency attached by ClinVar (database versions not stated): TOPMed 0.00040; 1000 Genomes Project 0.00040; 1000 Genomes Project 30x 0.00047.
gnomAD v4.1: 94 of 1,610,904 alleles (0.0058%); highest among the groups gnomAD compares: African/African-American, 0.068%; 1 homozygote.

Submissions (2):

GeneDx
Classification: Uncertain significance. Last evaluated: 2025-06-23. Review status: criteria provided, single submitter. Criteria: GeneDx Variant Classification Process June 2021. Collection method: clinical testing. Allele origin: germline. Affected: yes.
Comment: In silico analysis supports that this missense variant has a deleterious effect on protein structure/function; Has not been previously published as pathogenic or benign to our knowledge; In silico analysis suggests this variant may impact gene splicing. In the absence of RNA/functional studies, the actual effect of this sequence change is unknown.

Ambry Genetics
Classification: Uncertain significance. Last evaluated: 2024-08-05. Review status: criteria provided, single submitter. Criteria: Ambry Variant Classification Scheme 2023. Collection method: clinical testing. Allele origin: germline.

NM_017570.5(OPLAH):c.1741C>T (p.Arg581Cys)

Gene: OPLAH (5-oxoprolinase, ATP-hydrolysing; minus strand). Cytogenetic location: 8q24.3.
Variant type: single nucleotide variant.
Coding change: c.1741C>T on transcript NM_017570.5 (MANE Select); coding-DNA position 1741, C replaced by T.
Protein change: p.Arg581Cys; replaces arginine 581 with cysteine.
Molecular consequence: missense variant.
Genome position (GRCh38, 1-based): chr8:144,056,721, G>A on the plus strand (C>T on the coding strand, the complement: OPLAH is on the minus strand). VCF-style: chr8-144056721-G-A. GRCh37 (hg19) VCF-style: chr8-145111624-G-A.
Other names: c.1741C>T (NM_017570.4); short protein forms R581C.
Identifiers: ClinVar variation 2211583 (VCV002211583.4), dbSNP rs139103382, ClinGen allele CA4931738.